The following is an entry in ClinVar:

ClinVar aggregate classification (germline): Uncertain significance. Review status: criteria provided, multiple submitters, no conflicts (2 of 4 stars). 2 submissions from 2 submitters: Uncertain significance (2). Last evaluated 2025-08-07.

Conditions:
Frontotemporal dementia and/or amyotrophic lateral sclerosis 1 (FTDALS1). Also called: Frontotemporal dementia with motor neuron disease 1; C9orf72 Frontotemporal Dementia and/or Amyotrophic Lateral Sclerosis. Identifiers: Orphanet 275872, MedGen C5779877, MONDO:0007105, OMIM 105550.
Paget disease of bone 2, early-onset (PDB2). Also called: Paget disease of bone 2. Identifiers: MedGen C4085251, MONDO:0011183, OMIM 602080.

Submissions (2):

Labcorp Genetics (formerly Invitae), Labcorp
Classification: Uncertain significance for Paget disease of bone 2, early-onset; Frontotemporal dementia and/or amyotrophic lateral sclerosis 1. Last evaluated: 2025-08-07. Review status: criteria provided, single submitter. Criteria: Invitae Variant Classification Sherloc (09022015). Collection method: clinical testing. Allele origin: germline.
Comment: This sequence change replaces glutamic acid, which is acidic and polar, with glutamine, which is neutral and polar, at codon 45 of the SQSTM1 protein (p.Glu45Gln). This variant is not present in population databases (gnomAD no frequency). This variant has not been reported in the literature in individuals affected with SQSTM1-related conditions. ClinVar contains an entry for this variant (Variation ID: 2953779). Invitae Evidence Modeling of protein sequence and biophysical properties (such as structural, functional, and spatial information, amino acid conservation, physicochemical variation, residue mobility, and thermodynamic stability) indicates that this missense variant is not expected to disrupt SQSTM1 protein function with a negative predictive value of 80%. In summary, the available evidence is currently insufficient to determine the role of this variant in disease. Therefore, it has been classified as a Variant of Uncertain Significance.

GeneDx
Classification: Uncertain significance. Last evaluated: 2023-07-26. Review status: criteria provided, single submitter. Criteria: GeneDx Variant Classification Process June 2021. Collection method: clinical testing. Allele origin: germline. Affected: yes.
Comment: Not observed at significant frequency in large population cohorts (gnomAD); In silico analysis supports that this missense variant does not alter protein structure/function; Has not been previously published as pathogenic or benign to our knowledge

NM_003900.5(SQSTM1):c.133G>C (p.Glu45Gln)

Gene: SQSTM1 (sequestosome 1; plus strand). Cytogenetic location: 5q35.3.
Variant type: single nucleotide variant.
Coding change: c.133G>C on transcript NM_003900.5 (MANE Select); coding-DNA position 133, G replaced by C.
Protein change: p.Glu45Gln; replaces glutamic acid 45 with glutamine.
Molecular consequence: missense variant. On other transcripts: intron variant (2).
Genome position (GRCh38, 1-based): chr5:179,821,069, G>C. VCF-style: chr5-179821069-G-C. GRCh37 (hg19) VCF-style: chr5-179248069-G-C.
Other names: c.133G>C (NM_003900.4); c.-47-1889G>C (NM_001142298.2, NM_001142299.2); short protein forms E45Q.
Identifiers: ClinVar variation 2953779 (VCV002953779.4), dbSNP rs2480199234, ClinGen allele CA362442429.
Genomic context (GRCh38, chr5:179,821,069, plus strand): 5'-TTCTGCTGCAGCCCCGAGCCTGAGGCGGAAGCCGAGGCTGCGGCGGGTCCGGGACCCTGC[G>C]AGCGGCTGCTGAGCCGGGTGGCCGCCCTGTTCCCCGCGCTGCGGCCTGGCGGCTTCCAGG-3'
Protein context (NP_003891.1, residues 35-55): AEAAAGPGPC[Glu45Gln]RLLSRVAALF